The following is an entry in ClinVar:

NM_022765.4(MICAL1):c.1110G>A (p.Met370Ile)

Gene: MICAL1 (microtubule associated monooxygenase, calponin and LIM domain containing 1; minus strand). Cytogenetic location: 6q21.
Variant type: single nucleotide variant.
Coding change: c.1110G>A on transcript NM_022765.4 (MANE Select); coding-DNA position 1110, G replaced by A.
Protein change: p.Met370Ile; replaces methionine 370 with isoleucine.
Molecular consequence: missense variant. On other transcripts: intron variant (1).
Genome position (GRCh38, 1-based): chr6:109,450,381, C>T on the plus strand (G>A on the coding strand, the complement: MICAL1 is on the minus strand). VCF-style: chr6-109450381-C-T. GRCh37 (hg19) VCF-style: chr6-109771584-C-T.
Other names: c.1110G>A (NM_022765.3); c.1167G>A, p.Met389Ile (NM_001286613.2); c.934-296G>A (NM_001159291.2); short protein forms M370I, M389I.
Identifiers: ClinVar variation 2900856 (VCV002900856.4), dbSNP rs946052158, ClinGen allele CA145120398.
Genomic context (GRCh38, chr6:109,450,381, plus strand): 5'-CAGTCCCAGCAGCAGGCGGGCGCCATGCTTCTCTTGCACACGAGCAGAACTCTCTGCCCG[C>T]ATCATGCTCGTGAAGTCAAAGGCAGAGACATCAGGCTGCCCATGGGCATCCTGGGCAAAC-3'
Protein context (NP_073602.3, residues 360-380): DVSAFDFTSM[Met370Ile]RAESSARVQE

ClinVar aggregate classification (germline): Uncertain significance. Review status: criteria provided, multiple submitters, no conflicts (2 of 4 stars). 2 submissions from 2 submitters: Uncertain significance (2). Last evaluated 2025-01-09.

Allele frequency attached by ClinVar (database versions not stated): gnomAD 0.00002; gnomAD exomes 0.00002; TOPMed 0.00002.
gnomAD v4.1: 27 of 1,613,320 alleles (0.0017%); highest among the groups gnomAD compares: Non-Finnish European, 0.0021%; no homozygotes.

Submissions (2):

Ambry Genetics
Classification: Uncertain significance. Last evaluated: 2025-01-09. Review status: criteria provided, single submitter. Criteria: Ambry Variant Classification Scheme 2023. Collection method: clinical testing. Allele origin: germline.

Labcorp Genetics (formerly Invitae), Labcorp
Classification: Uncertain significance. Last evaluated: 2023-08-17. Review status: criteria provided, single submitter. Criteria: Invitae Variant Classification Sherloc (09022015). Collection method: clinical testing. Allele origin: germline.
Comment: In summary, the available evidence is currently insufficient to determine the role of this variant in disease. Therefore, it has been classified as a Variant of Uncertain Significance. This sequence change replaces methionine, which is neutral and non-polar, with isoleucine, which is neutral and non-polar, at codon 389 of the MICAL1 protein (p.Met389Ile). This variant is present in population databases (no rsID available, gnomAD 0.004%). This variant has not been reported in the literature in individuals affected with MICAL1-related conditions. An algorithm developed to predict the effect of missense changes on protein structure and function (PolyPhen-2) suggests that this variant is likely to be tolerated.